The following is an entry in ClinVar:

ClinVar aggregate classification (germline): Uncertain significance. Review status: criteria provided, multiple submitters, no conflicts (2 of 4 stars). 3 submissions from 3 submitters: Uncertain significance (3). Last evaluated 2025-01-14.

Conditions:
Early-infantile DEE. Also called: Early infantile epileptic encephalopathy; Early infantile epileptic encephalopathy with suppression bursts; Ohtahara syndrome. Identifiers: Orphanet 1934, MedGen C0393706, MONDO:0800491.
Developmental and epileptic encephalopathy, 5 (DEE5). Identifiers: Orphanet 3451, MedGen C3150731, MONDO:0013277, OMIM 613477.

Allele frequency attached by ClinVar (database versions not stated): gnomAD exomes below 0.00001.
gnomAD v4.1: 4 of 1,614,026 alleles (0.00025%); highest among the groups gnomAD compares: Non-Finnish European, 0.00025%; no homozygotes.

Submissions (3):

Labcorp Genetics (formerly Invitae), Labcorp
Classification: Uncertain significance for Early-infantile DEE. Last evaluated: 2025-01-14. Review status: criteria provided, single submitter. Criteria: Invitae Variant Classification Sherloc (09022015). Collection method: clinical testing. Allele origin: germline.
Comment: This sequence change replaces alanine, which is neutral and non-polar, with valine, which is neutral and non-polar, at codon 1820 of the SPTAN1 protein (p.Ala1820Val). This variant is not present in population databases (gnomAD no frequency). This variant has not been reported in the literature in individuals affected with SPTAN1-related conditions. ClinVar contains an entry for this variant (Variation ID: 2436396). Invitae Evidence Modeling of protein sequence and biophysical properties (such as structural, functional, and spatial information, amino acid conservation, physicochemical variation, residue mobility, and thermodynamic stability) has been performed for this missense variant. However, the output from this modeling did not meet the statistical confidence thresholds required to predict the impact of this variant on SPTAN1 protein function. In summary, the available evidence is currently insufficient to determine the role of this variant in disease. Therefore, it has been classified as a Variant of Uncertain Significance.

Genomic Medicine Center of Excellence, King Faisal Specialist Hospital and Research Centre
Classification: Uncertain significance for Developmental and epileptic encephalopathy, 5. Last evaluated: 2024-12-19. Review status: criteria provided, single submitter. Criteria: ACMG Guidelines, 2015. Collection method: clinical testing. Allele origin: germline.

Revvity Omics, Revvity
Classification: Uncertain significance. Last evaluated: 2020-04-04. Review status: criteria provided, single submitter. Criteria: ACMG Guidelines, 2015. Collection method: clinical testing. Allele origin: germline.

NM_001130438.3(SPTAN1):c.5459C>T (p.Ala1820Val)

Gene: SPTAN1 (spectrin alpha, non-erythrocytic 1; plus strand). Cytogenetic location: 9q34.11.
Variant type: single nucleotide variant.
Coding change: c.5459C>T on transcript NM_001130438.3 (MANE Select); coding-DNA position 5459, C replaced by T.
Protein change: p.Ala1820Val; replaces alanine 1820 with valine.
Molecular consequence: missense variant.
Genome position (GRCh38, 1-based): chr9:128,617,741, C>T. VCF-style: chr9-128617741-C-T. GRCh37 (hg19) VCF-style: chr9-131380020-C-T.
Other names: c.5384C>T, p.Ala1795Val (NM_001195532.2); c.5459C>T, p.Ala1820Val (NM_001363759.2, NM_001375310.1, NM_001375311.2 and 1 more transcripts); c.5399C>T, p.Ala1800Val (NM_001363765.2, NM_001375314.2); c.5495C>T, p.Ala1832Val (NM_001375312.2, NM_001375318.1); c.5444C>T, p.Ala1815Val (NM_003127.4); short protein forms A1795V, A1800V, A1815V, A1820V, A1832V.
Identifiers: ClinVar variation 2436396 (VCV002436396.6), dbSNP rs2541940968, ClinGen allele CA375076527.